The following is an entry in ClinVar:

NM_015627.3(LDLRAP1):c.429C>A (p.Cys143Ter)

Gene: LDLRAP1 (low density lipoprotein receptor adaptor protein 1; plus strand). Cytogenetic location: 1p36.11.
Variant type: single nucleotide variant.
Coding change: c.429C>A on transcript NM_015627.3 (MANE Select); coding-DNA position 429, C replaced by A.
Protein change: p.Cys143Ter; replaces cysteine 143 with a stop codon.
Molecular consequence: nonsense.
Genome position (GRCh38, 1-based): chr1:25,557,237, C>A. VCF-style: chr1-25557237-C-A. GRCh37 (hg19) VCF-style: chr1-25883728-C-A.
Other names: short protein forms C143*.
Identifiers: ClinVar variation 620519 (VCV000620519.1), dbSNP rs777648532, ClinGen allele CA339078744.
Genomic context (GRCh38, chr1:25,557,237, plus strand): 5'-GATGCACGACAAGGTGTTTGCATACATCGCCCAGAGCCAGCACAACCAGAGCCTCGAGTG[C>A]CACGCCTTCCTCTGCACCAAGCGGAAGATGGTCAGCGGGGAGGGCTGGGGCGGGGACAGG-3'

ClinVar aggregate classification (germline): Pathogenic (1 of 4 stars; one submission).

Submission:

GeneDx
Classification: Pathogenic. Last evaluated: 2018-12-17. Review status: criteria provided, single submitter. Criteria: GeneDx Variant Classification (06012015). Collection method: clinical testing. Allele origin: germline. Affected: yes.
Comment: The C143X variant in the LDLRAP1 gene has not been reported previously as a pathogenic variant nor as a benign variant, to our knowledge. This variant is predicted to cause loss of normal protein function either through protein truncation or nonsense-mediated mRNA decay. The C143X variant is not observed in large population cohorts (Lek et al., 2016). We interpret C143X as a pathogenic variant.